The following is an entry in ClinVar:

ClinVar aggregate classification (germline): Likely benign. Review status: criteria provided, multiple submitters, no conflicts (2 of 4 stars). 2 submissions from 2 submitters: Likely benign (2). Last evaluated 2026-01-28.

Conditions:
Neurodevelopmental disorder with progressive spasticity and brain white matter abnormalities. Also called: CEREBRAL PALSY, SPASTIC QUADRIPLEGIC, 1. Identifiers: Orphanet 210141, Orphanet 641353, MedGen C5436628, MONDO:0033613, OMIM 619026.

Allele frequency attached by ClinVar (database versions not stated): ESP Exome Variant Server 0.00008.
gnomAD v4.1: 60 of 1,614,064 alleles (0.0037%); highest among the groups gnomAD compares: African/African-American, 0.008%; no homozygotes.

Submissions (3):

Labcorp Genetics (formerly Invitae), Labcorp
Classification: Likely benign for Neurodevelopmental disorder with progressive spasticity and brain white matter abnormalities. Last evaluated: 2026-01-28. Review status: criteria provided, single submitter. Criteria: Invitae Variant Classification Sherloc (09022015). Collection method: clinical testing. Allele origin: germline.

CeGaT Center for Human Genetics Tuebingen
Classification: Likely benign. Last evaluated: 2023-04-01. Review status: criteria provided, single submitter. Criteria: CeGaT Center For Human Genetics Tuebingen Variant Classification Criteria Version 2. Collection method: clinical testing. Allele origin: germline. Affected: yes. Observed: 1 variant allele.
Comment: GAD1: BP4, BP7

Dr. Peter K. Rogan Lab, Western University
No classification provided (evidence only). Condition: Uveal melanoma. Review status: no classification provided. Collection method: in vitro. Allele origin: not applicable. Functional consequence: retained intron. Not counted in ClinVar's aggregate classification.

NM_000817.3(GAD1):c.1224C>T (p.Gly408=)

Gene: GAD1 (glutamate decarboxylase 1; plus strand). Cytogenetic location: 2q31.1.
Variant type: single nucleotide variant.
Coding change: c.1224C>T on transcript NM_000817.3 (MANE Select); coding-DNA position 1224, C replaced by T.
Protein change: p.Gly408=; no amino-acid change (glycine 408 retained).
Molecular consequence: synonymous variant.
Genome position (GRCh38, 1-based): chr2:170,852,753, C>T. VCF-style: chr2-170852753-C-T. GRCh37 (hg19) VCF-style: chr2-171709263-C-T.
Identifiers: ClinVar variation 2060824 (VCV002060824.29), dbSNP rs375640311, ClinGen allele CA1962905.